The following is an entry in ClinVar:

NM_021072.4(HCN1):c.388G>T (p.Ala130Ser)

Gene: HCN1 (hyperpolarization activated cyclic nucleotide gated potassium channel 1; minus strand). Cytogenetic location: 5p12.
Variant type: single nucleotide variant.
Coding change: c.388G>T on transcript NM_021072.4 (MANE Select); coding-DNA position 388, G replaced by T.
Protein change: p.Ala130Ser; replaces alanine 130 with serine.
Molecular consequence: missense variant.
Genome position (GRCh38, 1-based): chr5:45,695,706, C>A on the plus strand (G>T on the coding strand, the complement: HCN1 is on the minus strand). VCF-style: chr5-45695706-C-A. GRCh37 (hg19) VCF-style: chr5-45695808-C-A.
Other names: short protein forms A130S.
Identifiers: ClinVar variation 1995783 (VCV001995783.4), dbSNP rs2478643554, ClinGen allele CA359706120.

ClinVar aggregate classification (germline): Uncertain significance (1 of 4 stars; one submission).

Conditions:
Early-infantile DEE. Also called: Ohtahara syndrome; Early infantile epileptic encephalopathy; Early infantile epileptic encephalopathy with suppression bursts. Identifiers: Orphanet 1934, MedGen C0393706, MONDO:0800491.

Submission:

Labcorp Genetics (formerly Invitae), Labcorp
Classification: Uncertain significance for Early-infantile DEE. Last evaluated: 2022-08-24. Review status: criteria provided, single submitter. Criteria: Invitae Variant Classification Sherloc (09022015). Collection method: clinical testing. Allele origin: germline.
Comment: This variant has not been reported in the literature in individuals affected with HCN1-related conditions. Advanced modeling of protein sequence and biophysical properties (such as structural, functional, and spatial information, amino acid conservation, physicochemical variation, residue mobility, and thermodynamic stability) performed at Invitae indicates that this missense variant is not expected to disrupt HCN1 protein function. In summary, the available evidence is currently insufficient to determine the role of this variant in disease. Therefore, it has been classified as a Variant of Uncertain Significance. This variant is not present in population databases (gnomAD no frequency). This sequence change replaces alanine, which is neutral and non-polar, with serine, which is neutral and polar, at codon 130 of the HCN1 protein (p.Ala130Ser).